The following is an entry in ClinVar:

ClinVar aggregate classification (germline): Uncertain significance. Review status: criteria provided, multiple submitters, no conflicts (2 of 4 stars). 2 submissions from 2 submitters: Uncertain significance (2). Last evaluated 2024-11-25.

Allele frequency attached by ClinVar (database versions not stated): gnomAD 0.00001.

Submissions (2):

Dasa
Classification: Uncertain significance. Last evaluated: 2024-11-25. Review status: criteria provided, single submitter. Criteria: DASA Assertion Criteria. Collection method: clinical testing. Allele origin: germline.
Comment: NM_001372044.2(SHANK3):c.2728C>T (p.Pro910Ser) is a missense variant that results in the substitution of proline with serine. This variant is rare in population databases. Computational prediction algorithms are consistent with a benign effect. The currently available literature and clinical evidence are not sufficient to establish a definitive association between this variant and the reported condition. Therefore, this variant is classified as a variant of uncertain significance.

GeneDx
Classification: Uncertain significance. Last evaluated: 2022-10-06. Review status: criteria provided, single submitter. Criteria: GeneDx Variant Classification Process June 2021. Collection method: clinical testing. Allele origin: germline. Affected: yes.
Comment: Not observed at significant frequency in large population cohorts (gnomAD); In silico analysis supports that this missense variant has a deleterious effect on protein structure/function; Has not been previously published as pathogenic or benign to our knowledge

NM_001372044.2(SHANK3):c.2728C>T (p.Pro910Ser)

Gene: SHANK3 (SH3 and multiple ankyrin repeat domains 3; plus strand). Cytogenetic location: 22q13.33.
Variant type: single nucleotide variant.
Coding change: c.2728C>T on transcript NM_001372044.2 (MANE Select); coding-DNA position 2728, C replaced by T.
Protein change: p.Pro910Ser; replaces proline 910 with serine.
Molecular consequence: missense variant.
Genome position (GRCh38, 1-based): chr22:50,720,336, C>T. VCF-style: chr22-50720336-C-T. GRCh37 (hg19) VCF-style: chr22-51158764-C-T.
Other names: c.2503C>T, p.Pro835Ser (NM_033517.1); short protein forms P835S, P910S.
Identifiers: ClinVar variation 1708933 (VCV001708933.4), dbSNP rs1603447106, ClinGen allele CA515258971.